The following is an entry in ClinVar:

ClinVar aggregate classification (germline): Uncertain significance. Review status: criteria provided, multiple submitters, no conflicts (2 of 4 stars). 2 submissions from 2 submitters: Uncertain significance (2). Last evaluated 2022-07-24.

Conditions:
Inborn genetic diseases. Identifiers: MedGen C0950123, MeSH D030342.

Allele frequency attached by ClinVar (database versions not stated): gnomAD exomes 0.00001; ExAC 0.00002; gnomAD 0.00003; TOPMed 0.00003.
gnomAD v4.1: 14 of 1,613,990 alleles (0.00087%); highest among the groups gnomAD compares: Admixed American, 0.013%; no homozygotes.

Submissions (2):

Labcorp Genetics (formerly Invitae), Labcorp
Classification: Uncertain significance. Last evaluated: 2022-07-24. Review status: criteria provided, single submitter. Criteria: Invitae Variant Classification Sherloc (09022015). Collection method: clinical testing. Allele origin: germline.
Comment: This sequence change replaces arginine, which is basic and polar, with cysteine, which is neutral and slightly polar, at codon 142 of the EIF2B4 protein (p.Arg142Cys). This variant is present in population databases (rs754665816, gnomAD 0.01%). This variant has not been reported in the literature in individuals affected with EIF2B4-related conditions. Algorithms developed to predict the effect of missense changes on protein structure and function are either unavailable or do not agree on the potential impact of this missense change (SIFT: "Tolerated"; PolyPhen-2: "Possibly Damaging"; Align-GVGD: "Class C15"). In summary, the available evidence is currently insufficient to determine the role of this variant in disease. Therefore, it has been classified as a Variant of Uncertain Significance.

Ambry Genetics
Classification: Uncertain significance for Inborn genetic diseases. Last evaluated: 2021-06-22. Review status: criteria provided, single submitter. Criteria: Ambry Variant Classification Scheme 2023. Collection method: clinical testing. Allele origin: germline.

NM_001034116.2(EIF2B4):c.427C>T (p.Arg143Cys)

Gene: EIF2B4 (eukaryotic translation initiation factor 2B subunit delta; minus strand). Cytogenetic location: 2p23.3.
Variant type: single nucleotide variant.
Coding change: c.427C>T on transcript NM_001034116.2 (MANE Select); coding-DNA position 427, C replaced by T.
Protein change: p.Arg143Cys; replaces arginine 143 with cysteine.
Molecular consequence: missense variant. On other transcripts: 5 prime UTR variant (2).
Genome position (GRCh38, 1-based): chr2:27,368,725, G>A on the plus strand (C>T on the coding strand, the complement: EIF2B4 is on the minus strand). VCF-style: chr2-27368725-G-A. GRCh37 (hg19) VCF-style: chr2-27591592-G-A.
Other names: c.490C>T, p.Arg164Cys (NM_001318965.2); c.382C>T, p.Arg128Cys (NM_001318966.2); c.334C>T, p.Arg112Cys (NM_001318967.2); c.-159C>T (NM_001318968.2); c.-166C>T (NM_001318969.2); c.424C>T, p.Arg142Cys (NM_015636.4); c.487C>T, p.Arg163Cys (NM_172195.4); c.424C>T (NM_015636.3); short protein forms R143C, R142C, R163C, R112C, R128C, R164C.
Identifiers: ClinVar variation 2170785 (VCV002170785.2), dbSNP rs754665816, ClinGen allele CA1576898.